The following is an entry in ClinVar:

NM_018706.7(DHTKD1):c.718-5A>G

Gene: DHTKD1 (dehydrogenase E1 and transketolase domain containing 1; plus strand). Cytogenetic location: 10p14.
Variant type: single nucleotide variant.
Coding change: c.718-5A>G on transcript NM_018706.7 (MANE Select); 5 bases into the intron before coding-DNA position 718, A replaced by G.
Molecular consequence: intron variant.
Genome position (GRCh38, 1-based): chr10:12,088,981, A>G. VCF-style: chr10-12088981-A-G. GRCh37 (hg19) VCF-style: chr10-12130980-A-G.
Identifiers: ClinVar variation 930452 (VCV000930452.17), dbSNP rs374421488, ClinGen allele CA5407632.

ClinVar aggregate classification (germline): Conflicting classifications of pathogenicity. Review status: criteria provided, conflicting classifications (1 of 4 stars). 4 submissions from 4 submitters: Uncertain significance (2); Likely benign (1). 1 of the submissions does not count toward it. Last evaluated 2025-12-03.

Conditions:
DHTKD1-related disorder. Also called: DHTKD1-related condition.
2-aminoadipic 2-oxoadipic aciduria (AAKAD). Also called: Aminoadipic aciduria; ALPHA-AMINOADIPIC AND ALPHA-KETOADIPIC ACIDURIA. Identifiers: Orphanet 79154, MedGen C1859817, MONDO:0008774, OMIM 204750.

Allele frequency attached by ClinVar (database versions not stated): gnomAD exomes 0.00004 and 0.00007; ExAC 0.00005; gnomAD 0.00007; ESP Exome Variant Server 0.00008; TOPMed 0.00008.
gnomAD v4.1: 113 of 1,612,004 alleles (0.007%); highest among the groups gnomAD compares: Non-Finnish European, 0.009%; no homozygotes.

Submissions (4):

Labcorp Genetics (formerly Invitae), Labcorp
Classification: Likely benign for 2-aminoadipic 2-oxoadipic aciduria. Last evaluated: 2025-12-03. Review status: criteria provided, single submitter. Criteria: Invitae Variant Classification Sherloc (09022015). Collection method: clinical testing. Allele origin: germline.

CeGaT Center for Human Genetics Tuebingen
Classification: Uncertain significance. Last evaluated: 2025-12-01. Review status: criteria provided, single submitter. Criteria: CeGaT Center For Human Genetics Tuebingen Variant Classification Criteria Version 2. Collection method: clinical testing. Allele origin: germline. Affected: yes. Observed: 1 variant allele.
Comment: DHTKD1: PM2:Supporting, BP4

Centre for Mendelian Genomics, University Medical Centre Ljubljana
Classification: Uncertain significance for 2-aminoadipic 2-oxoadipic aciduria. Last evaluated: 2019-06-03. Review status: criteria provided, single submitter. Criteria: ACMG Guidelines, 2015. Collection method: clinical testing. Allele origin: unknown. Affected: yes.
Comment: This variant was classified as: Uncertain significance. The available evidence on this variant's pathogenicity is insufficient or conflicting. The following ACMG criteria were applied in classifying this variant: BP4.

PreventionGenetics, part of Exact Sciences
Classification: Likely benign for DHTKD1-related condition. Last evaluated: 2021-12-10. Review status: no assertion criteria provided. Collection method: clinical testing. Allele origin: germline. Not counted in ClinVar's aggregate classification.
Comment: This variant is classified as likely benign based on ACMG/AMP sequence variant interpretation guidelines (Richards et al. 2015 PMID: 25741868, with internal and published modifications).